The following is an entry in ClinVar:

NM_004211.5(SLC6A5):c.579C>A (p.Asn193Lys)

Gene: SLC6A5 (solute carrier family 6 member 5; plus strand). Cytogenetic location: 11p15.1.
Variant type: single nucleotide variant.
Coding change: c.579C>A on transcript NM_004211.5 (MANE Select); coding-DNA position 579, C replaced by A.
Protein change: p.Asn193Lys; replaces asparagine 193 with lysine.
Molecular consequence: missense variant. On other transcripts: intron variant (1).
Genome position (GRCh38, 1-based): chr11:20,604,324, C>A. VCF-style: chr11-20604324-C-A. GRCh37 (hg19) VCF-style: chr11-20625870-C-A.
Other names: c.-24+2659C>A (NM_001318369.2); short protein forms N193K.
Identifiers: ClinVar variation 1523859 (VCV001523859.4), dbSNP rs142792084, ClinGen allele CA5921136.

ClinVar aggregate classification (germline): Uncertain significance (1 of 4 stars; one submission).

Conditions:
Hyperekplexia 3 (HKPX3). Also called: HYPEREKPLEXIA 3, AUTOSOMAL RECESSIVE; HYPEREKPLEXIA 3, AUTOSOMAL DOMINANT. Identifiers: Orphanet 3197, MedGen C3553288, MONDO:0013827, OMIM 614618.

Allele frequency attached by ClinVar (database versions not stated): gnomAD exomes below 0.00001; ExAC 0.00001; gnomAD 0.00001; TOPMed 0.00001; ESP Exome Variant Server 0.00008.
gnomAD v4.1: 8 of 1,613,712 alleles (0.0005%); highest among the groups gnomAD compares: East Asian, 0.0045%; no homozygotes.

Submission:

Labcorp Genetics (formerly Invitae), Labcorp
Classification: Uncertain significance for Hyperekplexia 3. Last evaluated: 2023-04-24. Review status: criteria provided, single submitter. Criteria: Invitae Variant Classification Sherloc (09022015). Collection method: clinical testing. Allele origin: germline.
Comment: In summary, the available evidence is currently insufficient to determine the role of this variant in disease. Therefore, it has been classified as a Variant of Uncertain Significance. Advanced modeling of protein sequence and biophysical properties (such as structural, functional, and spatial information, amino acid conservation, physicochemical variation, residue mobility, and thermodynamic stability) performed at Invitae indicates that this missense variant is not expected to disrupt SLC6A5 protein function. ClinVar contains an entry for this variant (Variation ID: 1523859). This variant has not been reported in the literature in individuals affected with SLC6A5-related conditions. This variant is present in population databases (rs142792084, gnomAD 0.002%). This sequence change replaces asparagine, which is neutral and polar, with lysine, which is basic and polar, at codon 193 of the SLC6A5 protein (p.Asn193Lys).